The following is an entry in ClinVar:

NM_016222.4(DDX41):c.1684G>T (p.Val562Leu)

Gene: DDX41 (DEAD-box helicase 41; minus strand). Cytogenetic location: 5q35.3.
Variant type: single nucleotide variant.
Coding change: c.1684G>T on transcript NM_016222.4 (MANE Select); coding-DNA position 1684, G replaced by T.
Protein change: p.Val562Leu; replaces valine 562 with leucine.
Molecular consequence: missense variant.
Genome position (GRCh38, 1-based): chr5:177,512,144, C>A on the plus strand (G>T on the coding strand, the complement: DDX41 is on the minus strand). VCF-style: chr5-177512144-C-A. GRCh37 (hg19) VCF-style: chr5-176939145-C-A.
Other names: c.1306G>T, p.Val436Leu (NM_001321732.2, NM_001321830.2); short protein forms V436L, V562L.
Identifiers: ClinVar variation 3838994 (VCV003838994.1).

ClinVar aggregate classification (germline): Uncertain significance (1 of 4 stars; one submission).

Conditions:
Inborn genetic diseases. Identifiers: MedGen C0950123, MeSH D030342.

Submission:

Ambry Genetics
Classification: Uncertain significance for Inborn genetic diseases. Last evaluated: 2025-01-13. Review status: criteria provided, single submitter. Criteria: Ambry Variant Classification Scheme 2023. Collection method: clinical testing. Allele origin: germline.
Comment: The p.V562L variant (also known as c.1684G>T), located in coding exon 16 of the DDX41 gene, results from a G to T substitution at nucleotide position 1684. The valine at codon 562 is replaced by leucine, an amino acid with highly similar properties. This amino acid position is conserved. In addition, the in silico prediction for this alteration is inconclusive. Based on the available evidence, the clinical significance of this variant remains unclear.